The following is an entry in ClinVar:

ClinVar aggregate classification (germline): Uncertain significance (1 of 4 stars; one submission).

Conditions:
Charcot-Marie-Tooth disease axonal type 2V. Also called: CHARCOT-MARIE-TOOTH NEUROPATHY, TYPE 2V; CHARCOT-MARIE-TOOTH DISEASE, AXONAL, AUTOSOMAL DOMINANT, TYPE 2V. Identifiers: Orphanet 447964, MedGen C5569050, MONDO:0014665, OMIM 616491.
Mucopolysaccharidosis, MPS-III-B (MPS3B). Also called: N-ACETYL-ALPHA-D-GLUCOSAMINIDASE DEFICIENCY; NAGLU DEFICIENCY; SANFILIPPO SYNDROME B; MPS III B; MUCOPOLYSACCHARIDOSIS, TYPE IIIB; Mucopolysaccharidosis type IIIB (Sanfilippo B). Identifiers: Orphanet 79270, MedGen C0086648, MONDO:0009656, OMIM 252920.

Allele frequency attached by ClinVar (database versions not stated): gnomAD exomes 0.00001; gnomAD 0.00001.

Submission:

Labcorp Genetics (formerly Invitae), Labcorp
Classification: Uncertain significance for Charcot-Marie-Tooth disease axonal type 2V; Mucopolysaccharidosis, MPS-III-B. Last evaluated: 2021-08-14. Review status: criteria provided, single submitter. Criteria: Invitae Variant Classification Sherloc (09022015). Collection method: clinical testing. Allele origin: germline.
Comment: This sequence change replaces alanine with threonine at codon 364 of the NAGLU protein (p.Ala364Thr). The alanine residue is weakly conserved and there is a small physicochemical difference between alanine and threonine. This variant is not present in population databases (ExAC no frequency). This variant has not been reported in the literature in individuals affected with NAGLU-related conditions. Advanced modeling of protein sequence and biophysical properties (such as structural, functional, and spatial information, amino acid conservation, physicochemical variation, residue mobility, and thermodynamic stability) performed at Invitae indicates that this missense variant is not expected to disrupt NAGLU protein function. In summary, the available evidence is currently insufficient to determine the role of this variant in disease. Therefore, it has been classified as a Variant of Uncertain Significance.

NM_000263.4(NAGLU):c.1090G>A (p.Ala364Thr)

Gene: NAGLU (N-acetyl-alpha-glucosaminidase; plus strand). Cytogenetic location: 17q21.2.
Variant type: single nucleotide variant.
Coding change: c.1090G>A on transcript NM_000263.4 (MANE Select); coding-DNA position 1090, G replaced by A.
Protein change: p.Ala364Thr; replaces alanine 364 with threonine.
Molecular consequence: missense variant.
Genome position (GRCh38, 1-based): chr17:42,543,096, G>A. VCF-style: chr17-42543096-G-A. GRCh37 (hg19) VCF-style: chr17-40695114-G-A.
Other names: short protein forms A364T.
Identifiers: ClinVar variation 2197766 (VCV002197766.1), dbSNP rs1459252305, ClinGen allele CA399601114.